The following is an entry in ClinVar:

NM_001754.5(RUNX1):c.504_508dup (p.Gly170fs)

Genes: RUNX1-AS1 (RUNX1 antisense RNA 1; plus strand), RUNX1 (RUNX family transcription factor 1; minus strand). Cytogenetic location: 21q22.12.
Variant type: Duplication.
Coding change: c.504_508dup on transcript NM_001754.5 (MANE Select); coding-DNA positions 504 to 508, 5 bases duplicated (AAGAG; older notation c.504_508dupAAGAG).
Protein change: p.Gly170fs; shifts the reading frame from glycine 170.
Molecular consequence: frameshift variant.
Genome position (GRCh38, 1-based): chr21:34,880,557-34,880,561, CTCTT duplicated on the plus strand (AAGAG on the coding strand, the reverse complement: RUNX1 is on the minus strand); duplicating any 5 consecutive bases within chr21:34,880,557-34,880,562 gives the same sequence; the c. name uses the placement nearest the transcript's 3' end. VCF-style (leftmost placement, unchanged base first): chr21-34880556-C-CCTCTT. GRCh37 (hg19) VCF-style: chr21-36252853-C-CCTCTT.
Other names: NM_001754.5(RUNX1):c.504_508dup; p.Gly170fs; c.423_427dup, p.Gly143fs (NM_001001890.3, NM_001122607.2); c.504_508dupAAGAG (NM_001754.4); short protein forms G143fs, G170fs.
Identifiers: ClinVar variation 561244 (VCV000561244.4), dbSNP rs1569078774, ClinGen allele CA658824417.

ClinVar aggregate classification (germline): Pathogenic. Review status: reviewed by expert panel (3 of 4 stars). 2 submissions from 2 submitters: Pathogenic (1). 1 of the submissions does not count toward it. Last evaluated 2024-03-26.

Conditions:
Hereditary thrombocytopenia and hematologic cancer predisposition syndrome. Identifiers: Orphanet 71290, MedGen CN281654, MONDO:0011071.

Submissions (2):

ClinGen Myeloid Malignancy Variant Curation Expert Panel
Classification: Pathogenic for Hereditary thrombocytopenia and hematologic cancer predisposition syndrome. Last evaluated: 2024-03-26. Review status: reviewed by expert panel. Criteria: ClinGen MyeloMalig ACMG Specifications v2. Collection method: curation. Allele origin: germline. Inheritance: Autosomal dominant inheritance.
Comment: This frameshift duplication, located in a critical protein domain of an exon present in all biologically-relevant transcripts, is predicted to undergo NMD (PVS1). This variant is a nonsense/frameshift variants that is downstream of c.98 (PM5_Supporting). This variant is completely absent from all population databases with at least 20x coverage for RUNX1 (PM2_Supporting). In summary, this variant meets criteria to be classified as pathogenic. ACMG/AMP criteria applied, as specified by the Myeloid Malignancy Variant Curation Expert Panel for RUNX1: PVS1, PM2_supporting, PM5_supporting.

PreventionGenetics, part of Exact Sciences
Classification: Likely pathogenic. Last evaluated: 2018-07-12. Review status: criteria provided, single submitter. Criteria: ACMG Guidelines, 2015. Collection method: clinical testing. Allele origin: germline. Not counted in ClinVar's aggregate classification.